The following is an entry in ClinVar:

ClinVar aggregate classification (germline): Benign. Review status: criteria provided, multiple submitters, no conflicts (2 of 4 stars). 10 submissions from 10 submitters: Benign (8). 2 of the submissions do not count toward it. Last evaluated 2026-02-04.

Conditions:
Cardiovascular phenotype. Identifiers: MedGen CN230736.
Progressive familial heart block type IB (PFHB1B). Identifiers: Orphanet 871, MedGen C1970298, MONDO:0011474, OMIM 604559.

Allele frequency attached by ClinVar (database versions not stated): ESP Exome Variant Server 0.05505; gnomAD 0.05846 and 0.05951; gnomAD exomes 0.06127; TOPMed 0.06235; ExAC 0.06297; 1000 Genomes Project 30x 0.08745; 1000 Genomes Project 0.09105.
gnomAD v4.1: 82,699 of 1,611,150 alleles (5.1%); highest among the groups gnomAD compares: East Asian, 12%; 2,483 homozygotes.

Submissions (10):

Labcorp Genetics (formerly Invitae), Labcorp
Classification: Benign for Progressive familial heart block type IB. Last evaluated: 2026-02-04. Review status: criteria provided, single submitter. Criteria: Invitae Variant Classification Sherloc (09022015). Collection method: clinical testing. Allele origin: germline.

Molecular Diagnostic Laboratory for Inherited Cardiovascular Disease, Montreal Heart Institute
Classification: Benign. Last evaluated: 2025-04-09. Review status: criteria provided, single submitter. Criteria: ACMG Guidelines, 2015. Collection method: clinical testing. Allele origin: germline. Affected: no.

Blueprint Genetics
Classification: Benign. Last evaluated: 2024-11-28. Review status: criteria provided, single submitter. Criteria: ACMG Guidelines, 2015. Collection method: clinical testing. Allele origin: germline.

Women's Health and Genetics/Laboratory Corporation of America, LabCorp
Classification: Benign. Last evaluated: 2023-04-10. Review status: criteria provided, single submitter. Criteria: LabCorp Variant Classification Summary - May 2015. Collection method: clinical testing. Allele origin: germline.

Illumina Laboratory Services, Illumina
Classification: Benign for Progressive familial heart block type IB. Last evaluated: 2018-01-12. Review status: criteria provided, single submitter. Criteria: ICSL Variant Classification Criteria 13 December 2019. Collection method: clinical testing. Allele origin: germline.
Comment: This variant was observed in the ICSL laboratory as part of a predisposition screen in an ostensibly healthy population. It had not been previously curated by ICSL or reported in the Human Gene Mutation Database (HGMD: prior to June 1st, 2018), and was therefore a candidate for classification through an automated scoring system. Utilizing variant allele frequency, disease prevalence and penetrance estimates, and inheritance mode, an automated score was calculated to assess if this variant is too frequent to cause the disease. Based on the score and internal cut-off values, a variant classified as benign is not then subjected to further curation. The score for this variant resulted in a classification of benign for this disease.

GeneDx
Classification: Benign. Last evaluated: 2016-09-28. Review status: criteria provided, single submitter. Criteria: GeneDx Variant Classification (06012015). Collection method: clinical testing. Allele origin: germline. Affected: yes.
Comment: This variant is considered likely benign or benign based on one or more of the following criteria: it is a conservative change, it occurs at a poorly conserved position in the protein, it is predicted to be benign by multiple in silico algorithms, and/or has population frequency not consistent with disease.

Ambry Genetics
Classification: Benign for Cardiovascular phenotype. Last evaluated: 2015-03-23. Review status: criteria provided, single submitter. Criteria: Ambry Variant Classification Scheme 2023. Collection method: clinical testing. Allele origin: germline.

Breakthrough Genomics
Classification: Benign. Review status: criteria provided, single submitter. Criteria: ACMG Guidelines, 2015. Collection method: not provided. Allele origin: germline. Inheritance: Autosomal dominant inheritance. Affected: yes.

Clinical Genetics, Academic Medical Center
Classification: Benign. Review status: no assertion criteria provided. Collection method: clinical testing. Allele origin: germline. Affected: yes. Study: VKGL Data-share Consensus. Not counted in ClinVar's aggregate classification.

Joint Genome Diagnostic Labs from Nijmegen and Maastricht, Radboudumc and MUMC+
Classification: Benign. Review status: no assertion criteria provided. Collection method: clinical testing. Allele origin: germline. Affected: yes. Study: VKGL Data-share Consensus. Not counted in ClinVar's aggregate classification.

NM_017636.4(TRPM4):c.375G>A (p.Ser125=)

Gene: TRPM4 (transient receptor potential cation channel subfamily M member 4; plus strand). Cytogenetic location: 19q13.33.
Variant type: single nucleotide variant.
Coding change: c.375G>A on transcript NM_017636.4 (MANE Select); coding-DNA position 375, G replaced by A.
Protein change: p.Ser125=; no amino-acid change (serine 125 retained).
Molecular consequence: synonymous variant. On other transcripts: intron variant (4).
Genome position (GRCh38, 1-based): chr19:49,168,024, G>A. VCF-style: chr19-49168024-G-A. GRCh37 (hg19) VCF-style: chr19-49671281-G-A.
Other names: c.375G>A, p.Ser125= (NM_001195227.2); c.-1105-236G>A (NM_001321282.2); c.268-529G>A (NM_001321281.2); c.-74-236G>A (NM_001321283.2); c.-237-529G>A (NM_001321285.2).
Identifiers: ClinVar variation 329846 (VCV000329846.25), dbSNP rs34333830, ClinGen allele CA9568798.